The following is an entry in ClinVar:

NM_016816.4(OAS1):c.920A>G (p.Asn307Ser)

Gene: OAS1 (2'-5'-oligoadenylate synthetase 1; plus strand). Cytogenetic location: 12q24.13.
Variant type: single nucleotide variant.
Coding change: c.920A>G on transcript NM_016816.4 (MANE Select); coding-DNA position 920, A replaced by G.
Protein change: p.Asn307Ser; replaces asparagine 307 with serine.
Molecular consequence: missense variant. On other transcripts: non-coding transcript variant (9).
Genome position (GRCh38, 1-based): chr12:112,917,582, A>G. VCF-style: chr12-112917582-A-G. GRCh37 (hg19) VCF-style: chr12-113355387-A-G.
Other names: c.920A>G, p.Asn307Ser (NM_001032409.3, NM_001320151.2, NM_001406022.1 and 1 more transcripts); c.896A>G, p.Asn299Ser (NM_001406020.1, NM_001406021.1, NM_001406023.1 and 2 more transcripts); c.446A>G, p.Asn149Ser (NM_001406026.1, NM_001406027.1, NM_001406029.1 and 1 more transcripts); short protein forms N149S, N299S, N307S.
Identifiers: ClinVar variation 3907080 (VCV003907080.2).

ClinVar aggregate classification (germline): Conflicting classifications of pathogenicity. Review status: criteria provided, conflicting classifications (1 of 4 stars). 2 submissions from 2 submitters: Uncertain significance (1); Likely benign (1). Last evaluated 2025-09-29.

Submissions (2):

Labcorp Genetics (formerly Invitae), Labcorp
Classification: Uncertain significance. Last evaluated: 2025-09-29. Review status: criteria provided, single submitter. Criteria: Invitae Variant Classification Sherloc (09022015). Collection method: clinical testing. Allele origin: germline.
Comment: This sequence change replaces asparagine, which is neutral and polar, with serine, which is neutral and polar, at codon 307 of the OAS1 protein (p.Asn307Ser). This variant is present in population databases (rs146339735, gnomAD 0.003%). This variant has not been reported in the literature in individuals affected with OAS1-related conditions. ClinVar contains an entry for this variant (Variation ID: 3907080). An algorithm developed to predict the effect of missense changes on protein structure and function (PolyPhen-2) suggests that this variant is likely to be disruptive. In summary, the available evidence is currently insufficient to determine the role of this variant in disease. Therefore, it has been classified as a Variant of Uncertain Significance.

Women's Health and Genetics/Laboratory Corporation of America, LabCorp
Classification: Likely benign. Last evaluated: 2025-06-16. Review status: criteria provided, single submitter. Criteria: LabCorp Variant Classification Summary - May 2015. Collection method: clinical testing. Allele origin: germline.
Comment: Variant summary: OAS1 c.920A>G (p.Asn307Ser) results in a conservative amino acid change in the encoded protein sequence. Algorithms developed to predict the effect of missense changes on protein structure and function are either unavailable or do not agree on the potential impact of this missense change. The variant allele was found at a frequency of 1.5e-05 in 1607044 control chromosomes, predominantly at a frequency of 1.9e-05 within the Non-Finnish European subpopulation in the gnomAD database. The observed variant frequency within Non-Finnish European control individuals in the gnomAD database is approximately 30-fold of the estimated maximal expected allele frequency for a pathogenic variant in OAS1 causing Pulmonary alveolar proteinosis with hypogammaglobulinemia phenotype (6.3e-07). To our knowledge, no occurrence of c.920A>G in individuals affected with Pulmonary alveolar proteinosis with hypogammaglobulinemia and no experimental evidence demonstrating its impact on protein function have been reported. No submitters have cited clinical-significance assessments for this variant to ClinVar. Based on the evidence outlined above, the variant was classified as likely benign.